The following is an entry in ClinVar:

NM_000229.2(LCAT):c.734T>G (p.Leu245Arg)

Gene: LCAT (lecithin-cholesterol acyltransferase; minus strand). Cytogenetic location: 16q22.1.
Variant type: single nucleotide variant.
Coding change: c.734T>G on transcript NM_000229.2 (MANE Select); coding-DNA position 734, T replaced by G.
Protein change: p.Leu245Arg; replaces leucine 245 with arginine.
Molecular consequence: missense variant.
Genome position (GRCh38, 1-based): chr16:67,942,377, A>C on the plus strand (T>G on the coding strand, the complement: LCAT is on the minus strand). VCF-style: chr16-67942377-A-C. GRCh37 (hg19) VCF-style: chr16-67976280-A-C.
Other names: short protein forms L245R.
Identifiers: ClinVar variation 2567125 (VCV002567125.2), dbSNP rs1444788549, ClinGen allele CA396377690.

ClinVar aggregate classification (germline): Uncertain significance (1 of 4 stars; one submission).

Conditions:
Cardiovascular phenotype. Identifiers: MedGen CN230736.

Allele frequency attached by ClinVar (database versions not stated): gnomAD exomes below 0.00001; TOPMed below 0.00001.
gnomAD v4.1: 1 of 1,613,916 alleles (0.000062%); highest among the groups gnomAD compares: Admixed American, 0.0017%; no homozygotes.

Submission:

Ambry Genetics
Classification: Uncertain significance for Cardiovascular phenotype. Last evaluated: 2023-04-28. Review status: criteria provided, single submitter. Criteria: Ambry Variant Classification Scheme 2023. Collection method: clinical testing. Allele origin: germline.
Comment: The p.L245R variant (also known as c.734T>G), located in coding exon 5 of the LCAT gene, results from a T to G substitution at nucleotide position 734. The leucine at codon 245 is replaced by arginine, an amino acid with dissimilar properties. This amino acid position is conserved. In addition, the in silico prediction for this alteration is inconclusive. Since supporting evidence is limited at this time, the clinical significance of this alteration remains unclear.